The following is an entry in ClinVar:

ClinVar aggregate classification (germline): Likely benign (1 of 4 stars; one submission).

Conditions:
RAI1-related disorder. Also called: RAI1-related condition.

Submission:

PreventionGenetics, part of Exact Sciences
Classification: Likely benign for RAI1-related condition. Last evaluated: 2026-03-26. Review status: criteria provided, single submitter. Criteria: ACMG Guidelines, 2015. Collection method: clinical testing. Allele origin: germline.
Comment: This variant is classified as likely benign based on ACMG/AMP sequence variant interpretation guidelines (Richards et al. 2015 PMID: 25741868, with internal and published modifications).

NM_030665.4(RAI1):c.-4_-3dup

Gene: RAI1 (retinoic acid induced 1; plus strand). Cytogenetic location: 17p11.2.
Variant type: Duplication.
Coding change: c.-4_-3dup on transcript NM_030665.4 (MANE Select); 4 bases upstream of the start codon through 3 bases upstream of the start codon, 2 bases duplicated (AG; older notation c.-4_-3dupAG).
Molecular consequence: 5 prime UTR variant.
Genome position (GRCh38, 1-based): chr17:17,792,945-17,792,946, AG duplicated; duplicating any 2 consecutive bases within chr17:17,792,944-17,792,946 gives the same sequence; the c. name uses the placement nearest the transcript's 3' end. VCF-style (leftmost placement, unchanged base first): chr17-17792943-C-CGA. GRCh37 (hg19) VCF-style: chr17-17696257-C-CGA.
Identifiers: ClinVar variation 4984891 (VCV004984891.1).